The following is an entry in ClinVar:

NM_001242957.3(MAK):c.1846A>G (p.Asn616Asp)

Gene: MAK (male germ cell associated kinase; minus strand). Cytogenetic location: 6p24.2.
Variant type: single nucleotide variant.
Coding change: c.1846A>G on transcript NM_001242957.3 (MANE Select); coding-DNA position 1846, A replaced by G.
Protein change: p.Asn616Asp; replaces asparagine 616 with aspartic acid.
Molecular consequence: missense variant. On other transcripts: non-coding transcript variant (2).
Genome position (GRCh38, 1-based): chr6:10,764,553, T>C on the plus strand (A>G on the coding strand, the complement: MAK is on the minus strand). VCF-style: chr6-10764553-T-C. GRCh37 (hg19) VCF-style: chr6-10764786-T-C.
Other names: c.1651A>G, p.Asn551Asp (NM_001242385.2); c.1549A>G, p.Asn517Asp (NM_001377262.1); c.1771A>G, p.Asn591Asp (NM_005906.6); short protein forms N517D, N551D, N591D, N616D.
Identifiers: ClinVar variation 1057419 (VCV001057419.10), dbSNP rs2127500955, ClinGen allele CA362719318.

ClinVar aggregate classification (germline): Uncertain significance (1 of 4 stars; one submission).

Submission:

Labcorp Genetics (formerly Invitae), Labcorp
Classification: Uncertain significance. Last evaluated: 2022-02-03. Review status: criteria provided, single submitter. Criteria: Invitae Variant Classification Sherloc (09022015). Collection method: clinical testing. Allele origin: germline.
Comment: In summary, the available evidence is currently insufficient to determine the role of this variant in disease. Therefore, it has been classified as a Variant of Uncertain Significance. ClinVar contains an entry for this variant (Variation ID: 1057419). This variant has not been reported in the literature in individuals affected with MAK-related conditions. This variant is not present in population databases (gnomAD no frequency). This sequence change replaces asparagine, which is neutral and polar, with aspartic acid, which is acidic and polar, at codon 616 of the MAK protein (p.Asn616Asp).